The following is an entry in ClinVar:

ClinVar aggregate classification (germline): Pathogenic (1 of 4 stars; one submission).

Conditions:
Polycystic kidney disease, adult type (PKD1). Also called: Polycystic Kidney, Autosomal Dominant; POLYCYSTIC KIDNEY DISEASE 1 WITH OR WITHOUT POLYCYSTIC LIVER DISEASE; Polycystic Kidney Disease 1, Autosomal Dominant; Polycystic kidney disease 1; Polycystic kidney disease 1, severe; POLYCYSTIC KIDNEY DISEASE, ADULT, TYPE I. Identifiers: MedGen C3149841, MONDO:0008263, OMIM 173900.

Submission:

MVZ Medizinische Genetik Mainz
Classification: Pathogenic for Polycystic kidney disease, adult type. Last evaluated: 2023-08-25. Review status: criteria provided, single submitter. Criteria: UK Practice Guidelines For Variant Classification V4 01 2020. Collection method: clinical testing. Allele origin: germline. Inheritance: Autosomal dominant inheritance. Affected: yes. Observed: 1 variant allele.
Comment: PVS1,PM2_SUP,PP4

NM_001009944.3(PKD1):c.6549del (p.Glu2184fs)

Gene: PKD1 (polycystin 1, transient receptor potential channel interacting; minus strand). Cytogenetic location: 16p13.3.
Variant type: Deletion.
Coding change: c.6549del on transcript NM_001009944.3 (MANE Select); coding-DNA position 6549, one base deleted (T; older notation c.6549delT).
Protein change: p.Glu2184fs; shifts the reading frame from glutamic acid 2184.
Molecular consequence: frameshift variant.
Genome position (GRCh38, 1-based): chr16:2,108,618, A deleted on the plus strand (T on the coding strand, the reverse complement: PKD1 is on the minus strand). VCF-style (leftmost placement, unchanged base first): chr16-2108617-CA-C. GRCh37 (hg19) VCF-style: chr16-2158618-CA-C.
Other names: c.6549del, p.Glu2184fs (NM_000296.4); short protein forms E2184fs.
Identifiers: ClinVar variation 3061891 (VCV003061891.1), dbSNP rs2544802378, ClinGen allele CA2740096850.